The following is an entry in ClinVar:

NM_005450.6(NOG):c.646G>C (p.Gly216Arg)

Gene: NOG (noggin; plus strand). Cytogenetic location: 17q22.
Variant type: single nucleotide variant.
Coding change: c.646G>C on transcript NM_005450.6 (MANE Select); coding-DNA position 646, G replaced by C.
Protein change: p.Gly216Arg; replaces glycine 216 with arginine.
Molecular consequence: missense variant.
Genome position (GRCh38, 1-based): chr17:56,594,869, G>C. VCF-style: chr17-56594869-G-C. GRCh37 (hg19) VCF-style: chr17-54672230-G-C.
Other names: c.646G>C (NM_005450.4); short protein forms G216R.
Identifiers: ClinVar variation 2871919 (VCV002871919.4), dbSNP rs2052472596, ClinGen allele CA399966784.

ClinVar aggregate classification (germline): Uncertain significance. Review status: criteria provided, multiple submitters, no conflicts (2 of 4 stars). 2 submissions from 2 submitters: Uncertain significance (2). Last evaluated 2025-12-31.

Conditions:
Inborn genetic diseases. Identifiers: MedGen C0950123, MeSH D030342.

Allele frequency attached by ClinVar (database versions not stated): TOPMed below 0.00001.

Submissions (2):

Ambry Genetics
Classification: Uncertain significance for Inborn genetic diseases. Last evaluated: 2025-12-31. Review status: criteria provided, single submitter. Criteria: Ambry Variant Classification Scheme 2023. Collection method: clinical testing. Allele origin: germline.

Labcorp Genetics (formerly Invitae), Labcorp
Classification: Uncertain significance. Last evaluated: 2024-03-16. Review status: criteria provided, single submitter. Criteria: Invitae Variant Classification Sherloc (09022015). Collection method: clinical testing. Allele origin: germline.
Comment: This sequence change replaces glycine, which is neutral and non-polar, with arginine, which is basic and polar, at codon 216 of the NOG protein (p.Gly216Arg). This variant is not present in population databases (gnomAD no frequency). This variant has not been reported in the literature in individuals affected with NOG-related conditions. An algorithm developed to predict the effect of missense changes on protein structure and function (PolyPhen-2) suggests that this variant is likely to be tolerated. In summary, the available evidence is currently insufficient to determine the role of this variant in disease. Therefore, it has been classified as a Variant of Uncertain Significance.